The following is an entry in ClinVar:

ClinVar aggregate classification (germline): Uncertain significance (1 of 4 stars; one submission).

Conditions:
Charcot-Marie-Tooth disease type 4. Also called: Charcot-Marie-Tooth, Type 4; Charcot-Marie-Tooth disease, type IV. Identifiers: Orphanet 64749, MedGen C4082197, MONDO:0018995.

Allele frequency attached by ClinVar (database versions not stated): TOPMed below 0.00001; ExAC 0.00001.
gnomAD v4.1: 1 of 1,613,870 alleles (0.000062%); highest among the groups gnomAD compares: Admixed American, 0.0017%; no homozygotes.

Submission:

Labcorp Genetics (formerly Invitae), Labcorp
Classification: Uncertain significance for Charcot-Marie-Tooth disease type 4. Last evaluated: 2024-03-11. Review status: criteria provided, single submitter. Criteria: Invitae Variant Classification Sherloc (09022015). Collection method: clinical testing. Allele origin: germline.
Comment: This sequence change replaces glycine, which is neutral and non-polar, with cysteine, which is neutral and slightly polar, at codon 405 of the SH3TC2 protein (p.Gly405Cys). This variant is present in population databases (rs770822729, gnomAD 0.003%). This variant has not been reported in the literature in individuals affected with SH3TC2-related conditions. ClinVar contains an entry for this variant (Variation ID: 2073442). Advanced modeling of protein sequence and biophysical properties (such as structural, functional, and spatial information, amino acid conservation, physicochemical variation, residue mobility, and thermodynamic stability) performed at Invitae indicates that this missense variant is not expected to disrupt SH3TC2 protein function with a negative predictive value of 95%. In summary, the available evidence is currently insufficient to determine the role of this variant in disease. Therefore, it has been classified as a Variant of Uncertain Significance.

NM_024577.4(SH3TC2):c.1213G>T (p.Gly405Cys)

Gene: SH3TC2 (SH3 domain and tetratricopeptide repeats 2; minus strand). Cytogenetic location: 5q32.
Variant type: single nucleotide variant.
Coding change: c.1213G>T on transcript NM_024577.4 (MANE Select); coding-DNA position 1213, G replaced by T.
Protein change: p.Gly405Cys; replaces glycine 405 with cysteine.
Molecular consequence: missense variant.
Genome position (GRCh38, 1-based): chr5:149,028,519, C>A on the plus strand (G>T on the coding strand, the complement: SH3TC2 is on the minus strand). VCF-style: chr5-149028519-C-A. GRCh37 (hg19) VCF-style: chr5-148408082-C-A.
Other names: short protein forms G405C.
Identifiers: ClinVar variation 2073442 (VCV002073442.3), dbSNP rs770822729, ClinGen allele CA3499229.